The following is an entry in ClinVar:

ClinVar aggregate classification (germline): Uncertain significance. Review status: criteria provided, multiple submitters, no conflicts (2 of 4 stars). 2 submissions from 2 submitters: Uncertain significance (2). Last evaluated 2024-08-13.

Conditions:
Cardiovascular phenotype. Identifiers: MedGen CN230736.
Dilated cardiomyopathy 1W (CMD1W). Identifiers: Orphanet 154, MedGen C1969639, MONDO:0012667, OMIM 611407.

Allele frequency attached by ClinVar (database versions not stated): gnomAD 0.00001.
gnomAD v4.1: 1 of 1,614,044 alleles (0.000062%); highest among the groups gnomAD compares: African/African-American, 0.0013%; no homozygotes.

Submissions (2):

Labcorp Genetics (formerly Invitae), Labcorp
Classification: Uncertain significance for Dilated cardiomyopathy 1W. Last evaluated: 2024-08-13. Review status: criteria provided, single submitter. Criteria: Invitae Variant Classification Sherloc (09022015). Collection method: clinical testing. Allele origin: germline.
Comment: This sequence change replaces lysine, which is basic and polar, with isoleucine, which is neutral and non-polar, at codon 720 of the VCL protein (p.Lys720Ile). This variant is not present in population databases (gnomAD no frequency). This variant has not been reported in the literature in individuals affected with VCL-related conditions. ClinVar contains an entry for this variant (Variation ID: 518814). An algorithm developed to predict the effect of missense changes on protein structure and function (PolyPhen-2) suggests that this variant is likely to be disruptive. In summary, the available evidence is currently insufficient to determine the role of this variant in disease. Therefore, it has been classified as a Variant of Uncertain Significance.

Ambry Genetics
Classification: Uncertain significance for Cardiovascular phenotype. Last evaluated: 2016-09-21. Review status: criteria provided, single submitter. Criteria: Ambry Variant Classification Scheme 2023. Collection method: clinical testing. Allele origin: germline.
Comment: The p.K720I variant (also known as c.2159A>T), located in coding exon 16 of the VCL gene, results from an A to T substitution at nucleotide position 2159. The lysine at codon 720 is replaced by isoleucine, an amino acid with dissimilar properties. This amino acid position is well conserved in available vertebrate species. In addition, this alteration is predicted to be tolerated by in silico analysis. Since supporting evidence is limited at this time, the clinical significance of this alteration remains unclear.

NM_014000.3(VCL):c.2159A>T (p.Lys720Ile)

Gene: VCL (vinculin; plus strand). Cytogenetic location: 10q22.2.
Variant type: single nucleotide variant.
Coding change: c.2159A>T on transcript NM_014000.3 (MANE Select); coding-DNA position 2159, A replaced by T.
Protein change: p.Lys720Ile; replaces lysine 720 with isoleucine.
Molecular consequence: missense variant.
Genome position (GRCh38, 1-based): chr10:74,105,078, A>T. VCF-style: chr10-74105078-A-T. GRCh37 (hg19) VCF-style: chr10-75864836-A-T.
Other names: c.2159A>T, p.Lys720Ile (NM_003373.4); short protein forms K720I.
Identifiers: ClinVar variation 518814 (VCV000518814.7), dbSNP rs1554818881, ClinGen allele CA377261641.
Genomic context (GRCh38, chr10:74,105,078, plus strand): 5'-TGAAACTAAATTCCATTTCTGTTTTCCTAACAGGGCTGGTGGACGAAGCCATTGATACCA[A>T]ATCTCTGTTGGATGCTTCAGAAGAAGCAATTAAAAAAGACCTGGACAAGTGCAAGGTAGC-3'
Protein context (NP_054706.1, residues 710-730): TGLVDEAIDT[Lys720Ile]SLLDASEEAI